The following is an entry in ClinVar:

NM_148919.4(PSMB8):c.407+6C>T

Gene: PSMB8 (proteasome 20S subunit beta 8; minus strand). Cytogenetic location: 6p21.32.
Variant type: single nucleotide variant.
Coding change: c.407+6C>T on transcript NM_148919.4 (MANE Select); 6 bases into the intron after coding-DNA position 407, C replaced by T.
Molecular consequence: intron variant.
Genome position (GRCh38, 1-based): chr6:32,842,666, G>A on the plus strand (C>T on the coding strand, the complement: PSMB8 is on the minus strand). VCF-style: chr6-32842666-G-A. GRCh37 (hg19) VCF-style: chr6-32810443-G-A.
Other names: p.?; c.395+6C>T (NM_004159.5).
Identifiers: ClinVar variation 356365 (VCV000356365.28), dbSNP rs9276810, ClinGen allele CA3746398.

ClinVar aggregate classification (germline): Benign/Likely benign. Review status: criteria provided, multiple submitters, no conflicts (2 of 4 stars). 11 submissions from 11 submitters: Benign (9); Likely benign (1). 1 of the submissions does not count toward it. Last evaluated 2026-02-04.

Conditions:
Proteasome-associated autoinflammatory syndrome 1 (PRAAS1). Also called: JOINT CONTRACTURES, MUSCULAR ATROPHY, MICROCYTIC ANEMIA, AND PANNICULITIS-INDUCED LIPODYSTROPHY; JMP SYNDROME; AUTOINFLAMMATION, LIPODYSTROPHY, AND DERMATOSIS SYNDROME; NAKAJO-NISHIMURA SYNDROME; CHRONIC ATYPICAL NEUTROPHILIC DERMATOSIS WITH LIPODYSTROPHY AND ELEVATED TEMPERATURE SYNDROME; Nakajo syndrome. Identifiers: Orphanet 2615, Orphanet 324977, Orphanet 324999, Orphanet 325004, MedGen C4746851, MONDO:0054698, OMIM 256040.
Proteosome-associated autoinflammatory syndrome. Also called: Proteasome-associated autoinflammatory syndrome. Identifiers: Orphanet 324977, MedGen C1850568, MONDO:0009726.

Allele frequency attached by ClinVar (database versions not stated): TOPMed 0.42676; gnomAD 0.42678 and 0.42800; ESP Exome Variant Server 0.43272; 1000 Genomes Project 0.43550; 1000 Genomes Project 30x 0.43816; gnomAD exomes 0.44160 and 0.44888; ExAC 0.44476.

Submissions (12):

Labcorp Genetics (formerly Invitae), Labcorp
Classification: Benign for Proteosome-associated autoinflammatory syndrome. Last evaluated: 2026-02-04. Review status: criteria provided, single submitter. Criteria: Invitae Variant Classification Sherloc (09022015). Collection method: clinical testing. Allele origin: germline.

Women's Health and Genetics/Laboratory Corporation of America, LabCorp
Classification: Benign. Last evaluated: 2026-01-21. Review status: criteria provided, single submitter. Criteria: LabCorp Variant Classification Summary - May 2015. Collection method: clinical testing. Allele origin: germline.

Blueprint Genetics
Classification: Likely benign. Last evaluated: 2024-11-27. Review status: criteria provided, single submitter. Criteria: ACMG Guidelines, 2015. Collection method: clinical testing. Allele origin: germline.

Unidad de Genómica Garrahan, Hospital de Pediatría Garrahan
Classification: Benign. Last evaluated: 2023-11-14. Review status: criteria provided, single submitter. Criteria: ACMG Guidelines, 2015. Collection method: clinical testing. Allele origin: germline. Affected: no. Observed: 64 variant alleles.
Comment: This variant is classified as Benign based on local population frequency. This variant was detected in 67% of patients studied by a panel of primary immunodeficiencies. Number of patients: 64. Only high quality variants are reported.

Genome-Nilou Lab
Classification: Benign for Proteasome-associated autoinflammatory syndrome 1. Last evaluated: 2021-10-25. Review status: criteria provided, single submitter. Criteria: ACMG Guidelines, 2015. Collection method: clinical testing. Allele origin: germline. Affected: no.

GeneDx
Classification: Benign. Last evaluated: 2018-11-12. Review status: criteria provided, single submitter. Criteria: GeneDx Variant Classification Process June 2021. Collection method: clinical testing. Allele origin: germline. Affected: yes.

Mayo Clinic Laboratories, Mayo Clinic
Classification: Benign. Last evaluated: 2018-03-22. Review status: criteria provided, single submitter. Criteria: ACMG Guidelines, 2015. Collection method: clinical testing. Allele origin: germline. Observed: 708 variant alleles.

Illumina Laboratory Services, Illumina
Classification: Benign for Proteasome-associated autoinflammatory syndrome 1. Last evaluated: 2018-01-13. Review status: criteria provided, single submitter. Criteria: ICSL Variant Classification Criteria 13 December 2019. Collection method: clinical testing. Allele origin: germline.
Comment: This variant was observed in the ICSL laboratory as part of a predisposition screen in an ostensibly healthy population. It had not been previously curated by ICSL or reported in the Human Gene Mutation Database (HGMD: prior to June 1st, 2018), and was therefore a candidate for classification through an automated scoring system. Utilizing variant allele frequency, disease prevalence and penetrance estimates, and inheritance mode, an automated score was calculated to assess if this variant is too frequent to cause the disease. Based on the score and internal cut-off values, a variant classified as benign is not then subjected to further curation. The score for this variant resulted in a classification of benign for this disease.

Laboratory for Molecular Medicine, Mass General Brigham Personalized Medicine
Classification: Benign. Last evaluated: 2016-03-29. Review status: criteria provided, single submitter. Criteria: LMM Criteria. Collection method: clinical testing. Allele origin: germline.
Comment: Variant identified in a genome or exome case(s) and assessed due to predicted null impact of the variant or pathogenic assertions in the literature or databases. Disclaimer: This variant has not undergone full assessment. The following are preliminary notes: Frequency

Genome Diagnostics Laboratory, University Medical Center Utrecht
Classification: Benign for Proteasome-associated autoinflammatory syndrome 1. Last evaluated: 2014-10-09. Review status: criteria provided, single submitter. Criteria: ACGS Guidelines, 2013. Collection method: clinical testing. Allele origin: germline. Affected: yes. Study: VKGL Data-share Consensus.

Diagnostic Laboratory, Department of Genetics, University Medical Center Groningen
Classification: Benign for Proteasome-associated autoinflammatory syndrome 1. Review status: no assertion criteria provided. Collection method: clinical testing. Allele origin: germline. Affected: yes. Study: VKGL Data-share Consensus. Not counted in ClinVar's aggregate classification.

Dr. Peter K. Rogan Lab, Western University
No classification provided (evidence only). Condition: Hepatocellular carcinoma. Review status: no classification provided. Collection method: in vitro. Allele origin: not applicable. Functional consequence: retained intron. Not counted in ClinVar's aggregate classification.